The following is an entry in ClinVar:

NM_170707.4(LMNA):c.1719G>A (p.Ser573=)

Gene: LMNA (lamin A/C; plus strand). Cytogenetic location: 1q22.
Variant type: single nucleotide variant.
Coding change: c.1719G>A on transcript NM_170707.4 (MANE Select); coding-DNA position 1719, G replaced by A.
Protein change: p.Ser573=; no amino-acid change (serine 573 retained).
Molecular consequence: synonymous variant.
Genome position (GRCh38, 1-based): chr1:156,138,508, G>A. VCF-style: chr1-156138508-G-A. GRCh37 (hg19) VCF-style: chr1-156108299-G-A.
Other names: c.1383G>A, p.Ser461= (NM_001257374.3); c.1719G>A, p.Ser573= (NM_001282626.2); c.1629G>A, p.Ser543= (NM_170708.4).
Identifiers: ClinVar variation 1107745 (VCV001107745.35), dbSNP rs759853354, ClinGen allele CA051168.
Genomic context (GRCh38, chr1:156,138,508, plus strand): 5'-CAGACTCGCCGTCCCGCCTGAGCCTTGTCTCCCTTCCCAGGGCTCCCACTGCAGCAGCTC[G>A]GGGGACCCCGCTGAGTACAACCTGCGCTCGCGCACCGTGCTGTGCGGGACCTGCGGGCAG-3'
Protein context (NP_733821.1, residues 563-583): HHHHGSHCSS[Ser573=]GDPAEYNLRS

ClinVar aggregate classification (germline): Likely benign. Review status: criteria provided, multiple submitters, no conflicts (2 of 4 stars). 3 submissions from 3 submitters: Likely benign (3). Last evaluated 2025-07-21.

Conditions:
Charcot-Marie-Tooth disease type 2. Also called: Charcot-Marie-Tooth type 2. Identifiers: Orphanet 64746, MedGen C0270914, MONDO:0018993.
Cardiomyopathy (CMYO). Also called: Cardiomyopathies. Identifiers: Orphanet 167848, MedGen C0878544, MONDO:0004994, HP:0001638. Inheritance: Various modes of inheritance.

Allele frequency attached by ClinVar (database versions not stated): TOPMed 0.00001; gnomAD exomes 0.00002; ExAC 0.00003.

Submissions (3):

Labcorp Genetics (formerly Invitae), Labcorp
Classification: Likely benign for Charcot-Marie-Tooth disease type 2. Last evaluated: 2025-07-21. Review status: criteria provided, single submitter. Criteria: Invitae Variant Classification Sherloc (09022015). Collection method: clinical testing. Allele origin: germline.

Color Diagnostics, LLC DBA Color Health
Classification: Likely benign for Cardiomyopathy. Last evaluated: 2025-05-25. Review status: criteria provided, single submitter. Criteria: ACMG Guidelines, 2015. Collection method: clinical testing. Allele origin: germline.

CeGaT Center for Human Genetics Tuebingen
Classification: Likely benign. Last evaluated: 2023-06-01. Review status: criteria provided, single submitter. Criteria: CeGaT Center For Human Genetics Tuebingen Variant Classification Criteria Version 2. Collection method: clinical testing. Allele origin: germline. Affected: yes. Observed: 1 variant allele.
Comment: LMNA: BP4, BP7